The following is an entry in ClinVar:

NM_000334.4(SCN4A):c.364C>T (p.Arg122Cys)

Gene: SCN4A (sodium voltage-gated channel alpha subunit 4; minus strand). Cytogenetic location: 17q23.3.
Variant type: single nucleotide variant.
Coding change: c.364C>T on transcript NM_000334.4 (MANE Select); coding-DNA position 364, C replaced by T.
Protein change: p.Arg122Cys; replaces arginine 122 with cysteine.
Molecular consequence: missense variant.
Genome position (GRCh38, 1-based): chr17:63,972,380, G>A on the plus strand (C>T on the coding strand, the complement: SCN4A is on the minus strand). VCF-style: chr17-63972380-G-A. GRCh37 (hg19) VCF-style: chr17-62049740-G-A.
Other names: short protein forms R122C.
Identifiers: ClinVar variation 324551 (VCV000324551.53), dbSNP rs150158100, ClinGen allele CA8710196.

ClinVar aggregate classification (germline): Conflicting classifications of pathogenicity. Review status: criteria provided, conflicting classifications (1 of 4 stars). 10 submissions from 6 submitters: Uncertain significance (8); Likely benign (2). Last evaluated 2025-10-19.

Conditions:
Hypokalemic periodic paralysis, type 2 (HOKPP2). Identifiers: Orphanet 681, MedGen C2750061, MONDO:0013234, OMIM 613345.
Congenital myopathy 22A, classic (CMYO22A). Identifiers: MedGen C5830453, MONDO:0957247, OMIM 620351.
Congenital myopathy 22B, severe fetal (CMYO22B). Identifiers: MedGen C5830501, MONDO:0957265, OMIM 620369.
Congenital myasthenic syndrome 16. Identifiers: Orphanet 590, MedGen C3280112, MONDO:0013620, OMIM 614198.
Paramyotonia congenita of Von Eulenburg. Also called: Paramyotonia Congenita; PARALYSIS PERIODICA PARAMYOTONICA; Eulenburg disease; Myotonia congenita intermittens; Von Eulenburg paramyotonia congenita. Identifiers: Orphanet 684, MedGen C0221055, MONDO:0008195, OMIM 168300. Disease mechanism: loss of function.
Hyperkalemic periodic paralysis. Also called: Familial hyperkalemic periodic paralysis; Gamstorp disease. Identifiers: Orphanet 682, MedGen C0238357, MONDO:0008224, OMIM 170500, HP:0007215.
Potassium-aggravated myotonia. Also called: Myotonia congenita, atypical, acetazolamide-responsive; MYOTONIA CONGENITA, ACETAZOLAMIDE-RESPONSIVE; MYOTONIA CONGENITA, ATYPICAL; SODIUM CHANNEL MUSCLE DISEASE. Identifiers: Orphanet 612, Orphanet 99734, Orphanet 99735, Orphanet 99736, MedGen C2931826, MONDO:0018959, OMIM 608390.

Allele frequency attached by ClinVar (database versions not stated): ExAC 0.00007; gnomAD 0.00005 and 0.00006; TOPMed 0.00003; gnomAD exomes 0.00007 and 0.00005; 1000 Genomes Project 30x 0.00031; 1000 Genomes Project 0.00040.
gnomAD v4.1: 115 of 1,613,930 alleles (0.0071%); highest among the groups gnomAD compares: Middle Eastern, 0.016%; no homozygotes.

Submissions (10):

Labcorp Genetics (formerly Invitae), Labcorp
Classification: Uncertain significance for Hyperkalemic periodic paralysis. Last evaluated: 2025-10-19. Review status: criteria provided, single submitter. Criteria: Invitae Variant Classification Sherloc (09022015). Collection method: clinical testing. Allele origin: germline.
Comment: This sequence change replaces arginine, which is basic and polar, with cysteine, which is neutral and slightly polar, at codon 122 of the SCN4A protein (p.Arg122Cys). This variant is present in population databases (rs150158100, gnomAD 0.009%). This missense change has been observed in individual(s) with limb-girdle weakness (PMID: 32528171). ClinVar contains an entry for this variant (Variation ID: 324551). Invitae Evidence Modeling of protein sequence and biophysical properties (such as structural, functional, and spatial information, amino acid conservation, physicochemical variation, residue mobility, and thermodynamic stability) has been performed for this missense variant. However, the output from this modeling did not meet the statistical confidence thresholds required to predict the impact of this variant on SCN4A protein function. Algorithms developed to predict the effect of sequence changes on RNA splicing suggest that this variant may disrupt the consensus splice site. In summary, the available evidence is currently insufficient to determine the role of this variant in disease. Therefore, it has been classified as a Variant of Uncertain Significance.

Revvity Omics, Revvity
Classification: Uncertain significance. Last evaluated: 2024-11-07. Review status: criteria provided, single submitter. Criteria: ACMG Guidelines, 2015. Collection method: clinical testing. Allele origin: germline.

Fulgent Genetics
Classification: Uncertain significance for Paramyotonia congenita of Von Eulenburg; Hyperkalemic periodic paralysis; Potassium-aggravated myotonia; Hypokalemic periodic paralysis, type 2; Congenital myasthenic syndrome 16; Congenital myopathy 22A, classic; Congenital myopathy 22B, severe fetal. Last evaluated: 2024-02-07. Review status: criteria provided, single submitter. Criteria: ACMG Guidelines, 2015. Collection method: clinical testing. Allele origin: germline.

CeGaT Center for Human Genetics Tuebingen
Classification: Likely benign. Last evaluated: 2022-01-01. Review status: criteria provided, single submitter. Criteria: CeGaT Center For Human Genetics Tuebingen Variant Classification Criteria Version 2. Collection method: clinical testing. Allele origin: germline. Affected: yes. Observed: 6 variant alleles.

MGZ Medical Genetics Center
Classification: Uncertain significance for Paramyotonia congenita of Von Eulenburg. Last evaluated: 2021-08-02. Review status: criteria provided, single submitter. Criteria: ACMG Guidelines, 2015. Collection method: clinical testing. Allele origin: germline. Affected: yes. Observed: 1 variant allele.
Comment: ACMG criteria applied: PM2_SUP

Illumina Laboratory Services, Illumina
Classification: Uncertain significance for Hyperkalemic periodic paralysis. Last evaluated: 2018-01-13. Review status: criteria provided, single submitter. Criteria: ICSL Variant Classification Criteria 13 December 2019. Collection method: clinical testing. Allele origin: germline.

Illumina Laboratory Services, Illumina
Classification: Uncertain significance for Paramyotonia congenita of Von Eulenburg. Last evaluated: 2018-01-13. Review status: criteria provided, single submitter. Criteria: ICSL Variant Classification Criteria 13 December 2019. Collection method: clinical testing. Allele origin: germline.

Illumina Laboratory Services, Illumina
Classification: Uncertain significance for Congenital myasthenic syndrome 16. Last evaluated: 2018-01-13. Review status: criteria provided, single submitter. Criteria: ICSL Variant Classification Criteria 13 December 2019. Collection method: clinical testing. Allele origin: germline.

Illumina Laboratory Services, Illumina
Classification: Likely benign for Potassium-aggravated myotonia. Last evaluated: 2018-01-13. Review status: criteria provided, single submitter. Criteria: ICSL Variant Classification Criteria 13 December 2019. Collection method: clinical testing. Allele origin: germline.
Comment: This variant was observed in the ICSL laboratory as part of a predisposition screen in an ostensibly healthy population. It had not been previously curated by ICSL or reported in the Human Gene Mutation Database (HGMD: prior to June 1st, 2018), and was therefore a candidate for classification through an automated scoring system. Utilizing variant allele frequency, disease prevalence and penetrance estimates, and inheritance mode, an automated score was calculated to assess if this variant is too frequent to cause the disease. Based on the score and internal cut-off values, a variant classified as likely benign is not then subjected to further curation. The score for this variant resulted in a classification of likely benign for this disease.

Illumina Laboratory Services, Illumina
Classification: Uncertain significance for Hypokalemic periodic paralysis, type 2. Last evaluated: 2018-01-13. Review status: criteria provided, single submitter. Criteria: ICSL Variant Classification Criteria 13 December 2019. Collection method: clinical testing. Allele origin: germline.

Literature cited by the submitters: PubMed 32528171 (cited by Labcorp Genetics (formerly Invitae), Labcorp).